The following is an entry in ClinVar:

NM_000350.3(ABCA4):c.331_332del (p.Glu111fs)

Gene: ABCA4 (ATP binding cassette subfamily A member 4; minus strand). Cytogenetic location: 1p22.1.
Variant type: Deletion.
Coding change: c.331_332del on transcript NM_000350.3 (MANE Select); coding-DNA positions 331 to 332, 2 bases deleted (GA; older notation c.331_332delGA).
Protein change: p.Glu111fs; shifts the reading frame from glutamic acid 111.
Molecular consequence: frameshift variant.
Genome position (GRCh38, 1-based): chr1:94,108,687-94,108,688, TC deleted on the plus strand (GA on the coding strand, the reverse complement: ABCA4 is on the minus strand); deleting any 2 consecutive bases within chr1:94,108,687-94,108,689 gives the same sequence; the c. name uses the placement nearest the transcript's 3' end. VCF-style (leftmost placement, unchanged base first): chr1-94108686-TTC-T. GRCh37 (hg19) VCF-style: chr1-94574242-TTC-T.
Other names: c.330_331delAG, p.Glu111Thrfs (NM_001425324.1); short protein forms E111fs.
Identifiers: ClinVar variation 1071084 (VCV001071084.9), dbSNP rs749252902, ClinGen allele CA958860.

ClinVar aggregate classification (germline): Pathogenic (1 of 4 stars; one submission).

Submission:

Labcorp Genetics (formerly Invitae), Labcorp
Classification: Pathogenic. Last evaluated: 2020-01-03. Review status: criteria provided, single submitter. Criteria: Invitae Variant Classification Sherloc (09022015). Collection method: clinical testing. Allele origin: germline.
Comment: This variant is present in population databases (rs749252902, ExAC 0.001%). This sequence change creates a premature translational stop signal (p.Glu111Thrfs*49) in the ABCA4 gene. It is expected to result in an absent or disrupted protein product. For these reasons, this variant has been classified as Pathogenic. Loss-of-function variants in ABCA4 are known to be pathogenic (PMID: 10958761, 24938718, 25312043, 26780318). This variant has not been reported in the literature in individuals with ABCA4-related conditions.

Literature cited by the submitters: PubMed 10958761; PubMed 24938718; PubMed 25312043; PubMed 26780318.